The following is an entry in ClinVar:

NM_002578.5(PAK3):c.824G>A (p.Gly275Asp)

Gene: PAK3 (p21 (RAC1) activated kinase 3; plus strand). Cytogenetic location: Xq23.
Variant type: single nucleotide variant.
Coding change: c.824G>A on transcript NM_002578.5 (MANE Select); coding-DNA position 824, G replaced by A.
Protein change: p.Gly275Asp; replaces glycine 275 with aspartic acid.
Molecular consequence: missense variant. On other transcripts: non-coding transcript variant (2).
Genome position (GRCh38, 1-based): chrX:111,173,075, G>A. VCF-style: chrX-111173075-G-A. GRCh37 (hg19) VCF-style: chrX-110416303-G-A.
Other names: c.824G>A, p.Gly275Asp (NM_001128166.3, NM_001128167.3, NM_001324325.2 and 5 more transcripts); c.932G>A, p.Gly311Asp (NM_001128168.3); c.887G>A, p.Gly296Asp (NM_001128172.2); c.869G>A, p.Gly290Asp (NM_001128173.3, NM_001324327.2, NM_001324328.2 and 2 more transcripts); short protein forms G275D, G290D, G296D, G311D.
Identifiers: ClinVar variation 1308431 (VCV001308431.2), dbSNP rs2149245928, ClinGen allele CA414237300.

ClinVar aggregate classification (germline): Uncertain significance (1 of 4 stars; one submission).

Submission:

GeneDx
Classification: Uncertain significance. Last evaluated: 2019-04-11. Review status: criteria provided, single submitter. Criteria: GeneDx Variant Classification Process June 2021. Collection method: clinical testing. Allele origin: germline. Affected: yes.
Comment: Not observed in large population cohorts (Lek et al., 2016); In silico analysis, which includes protein predictors and evolutionary conservation, supports a deleterious effect; Has not been previously published as pathogenic or benign to our knowledge